The following is an entry in ClinVar:

ClinVar aggregate classification (germline): Uncertain significance (1 of 4 stars; one submission).

Conditions:
Aortic aneurysm, familial thoracic 4 (AAT4). Also called: AORTIC ANEURYSM/AORTIC DISSECTION AND PATENT DUCTUS ARTERIOSUS. Identifiers: MedGen C1851504, MONDO:0007568, OMIM 132900.

Allele frequency attached by ClinVar (database versions not stated): gnomAD exomes below 0.00001 and 0.00001; ExAC 0.00001.
gnomAD v4.1: 3 of 1,614,126 alleles (0.00019%); highest among the groups gnomAD compares: Non-Finnish European, 0.00025%; no homozygotes.

Submission:

Labcorp Genetics (formerly Invitae), Labcorp
Classification: Uncertain significance for Aortic aneurysm, familial thoracic 4. Last evaluated: 2018-12-25. Review status: criteria provided, single submitter. Criteria: Invitae Variant Classification Sherloc (09022015). Collection method: clinical testing. Allele origin: germline.
Comment: In summary, the available evidence is currently insufficient to determine the role of this variant in disease. Therefore, it has been classified as a Variant of Uncertain Significance. Algorithms developed to predict the effect of missense changes on protein structure and function do not agree on the potential impact of this missense change (SIFT: "Deleterious"; PolyPhen-2: "Benign"; Align-GVGD: "Class C15"). This sequence change replaces glycine with aspartic acid at codon 1125 of the MYH11 protein (p.Gly1125Asp). The glycine residue is highly conserved and there is a moderate physicochemical difference between glycine and aspartic acid. This variant is present in population databases (rs746006297, ExAC 0.001%). This variant has not been reported in the literature in individuals with MYH11-related disease.

NM_002474.3(MYH11):c.3353G>A (p.Gly1118Asp)

Gene: MYH11 (myosin heavy chain 11; minus strand). Cytogenetic location: 16p13.11.
Variant type: single nucleotide variant.
Coding change: c.3353G>A on transcript NM_002474.3 (MANE Select); coding-DNA position 3353, G replaced by A.
Protein change: p.Gly1118Asp; replaces glycine 1118 with aspartic acid.
Molecular consequence: missense variant.
Genome position (GRCh38, 1-based): chr16:15,735,519, C>T on the plus strand (G>A on the coding strand, the complement: MYH11 is on the minus strand). VCF-style: chr16-15735519-C-T. GRCh37 (hg19) VCF-style: chr16-15829376-C-T.
Other names: c.3374G>A, p.Gly1125Asp (NM_001040113.2, NM_001040114.2); c.3353G>A, p.Gly1118Asp (NM_022844.3); short protein forms G1125D, G1118D.
Identifiers: ClinVar variation 568671 (VCV000568671.9), dbSNP rs746006297, ClinGen allele CA7922009.